The following is an entry in ClinVar:

NM_001868.4(CPA1):c.51G>C (p.Lys17Asn)

Gene: CPA1 (carboxypeptidase A1; plus strand). Cytogenetic location: 7q32.2.
Variant type: single nucleotide variant.
Coding change: c.51G>C on transcript NM_001868.4 (MANE Select); coding-DNA position 51, G replaced by C.
Protein change: p.Lys17Asn; replaces lysine 17 with asparagine.
Molecular consequence: missense variant.
Genome position (GRCh38, 1-based): chr7:130,380,571, G>C. VCF-style: chr7-130380571-G-C. GRCh37 (hg19) VCF-style: chr7-130020412-G-C.
Other names: short protein forms K17N.
Identifiers: ClinVar variation 4841617 (VCV004841617.1).
Genomic context (GRCh38, chr7:130,380,571, plus strand): 5'-CGGCAGCAGCATGCGGGGGTTGCTGGTGTTGAGTGTCCTGTTGGGGGCTGTCTTTGGCAA[G>C]GAGGACTTTGTGGGGTAGGGATGTGGAGAGGAGGGGGTGCCCTCTGAGGGTGATGGGGAG-3'
Protein context (NP_001859.1, residues 7-27): LSVLLGAVFG[Lys17Asn]EDFVGHQVLR

ClinVar aggregate classification (germline): Uncertain significance (1 of 4 stars; one submission).

Conditions:
Hereditary pancreatitis (PCTT). Also called: Hereditary chronic pancreatitis; PRSS1-Related Hereditary Pancreatitis. Identifiers: Orphanet 676, MedGen C0238339, MONDO:0008185, OMIM 167800.

Submission:

Ambry Genetics
Classification: Uncertain significance for Hereditary pancreatitis. Last evaluated: 2025-12-30. Review status: criteria provided, single submitter. Criteria: Ambry Variant Classification Scheme 2023. Collection method: clinical testing. Allele origin: germline.
Comment: The p.K17N variant (also known as c.51G>C), located in coding exon 1 of the CPA1 gene, results from a G to C substitution at nucleotide position 51. The lysine at codon 17 is replaced by asparagine, an amino acid with similar properties. This amino acid position is conserved. In addition, this alteration is predicted to be tolerated by in silico analysis. Based on the available evidence, the clinical significance of this variant remains unclear.